The following is an entry in ClinVar:

NM_001080477.4(TENM3):c.543C>T (p.Thr181=)

Gene: TENM3 (teneurin transmembrane protein 3; plus strand). Cytogenetic location: 4q35.1.
Variant type: single nucleotide variant.
Coding change: c.543C>T on transcript NM_001080477.4 (MANE Select); coding-DNA position 543, C replaced by T.
Protein change: p.Thr181=; no amino-acid change (threonine 181 retained).
Molecular consequence: synonymous variant. On other transcripts: 5 prime UTR variant (5).
Genome position (GRCh38, 1-based): chr4:182,600,955, C>T. VCF-style: chr4-182600955-C-T. GRCh37 (hg19) VCF-style: chr4-183522108-C-T.
Other names: c.-274C>T (NM_001415960.1, NM_001415961.1, NM_001415962.1 and 2 more transcripts); c.264C>T, p.Thr88= (NM_001415966.1, NM_001415967.1, NM_001415976.1 and 1 more transcripts); c.543C>T, p.Thr181= (NM_001415968.1, NM_001415969.1, NM_001415970.1 and 4 more transcripts).
Identifiers: ClinVar variation 3029496 (VCV003029496.2), dbSNP rs190272851, ClinGen allele CA112260363.

ClinVar aggregate classification (germline): Likely benign (0 of 4 stars; one submission).

Conditions:
TENM3-related disorder. Also called: TENM3-related condition.

gnomAD v4.1: 7 of 1,599,536 alleles (0.00044%); highest among the groups gnomAD compares: African/African-American, 0.0042%; no homozygotes.

Submission:

PreventionGenetics, part of Exact Sciences
Classification: Likely benign for TENM3-related condition. Last evaluated: 2022-02-03. Review status: no assertion criteria provided. Collection method: clinical testing. Allele origin: germline.
Comment: This variant is classified as likely benign based on ACMG/AMP sequence variant interpretation guidelines (Richards et al. 2015 PMID: 25741868, with internal and published modifications).